The following is an entry in ClinVar:

ClinVar aggregate classification (germline): Uncertain significance (1 of 4 stars; one submission).

Allele frequency attached by ClinVar (database versions not stated): gnomAD exomes 0.00007; ExAC 0.00013; ESP Exome Variant Server 0.00015; 1000 Genomes Project 0.00020; 1000 Genomes Project 30x 0.00031; gnomAD 0.00040; TOPMed 0.00050.

Submission:

Labcorp Genetics (formerly Invitae), Labcorp
Classification: Uncertain significance. Last evaluated: 2025-09-09. Review status: criteria provided, single submitter. Criteria: Invitae Variant Classification Sherloc (09022015). Collection method: clinical testing. Allele origin: germline.
Comment: This sequence change replaces serine, which is neutral and polar, with leucine, which is neutral and non-polar, at codon 674 of the INTU protein (p.Ser674Leu). This variant is present in population databases (rs141570095, gnomAD 0.1%), and has an allele count higher than expected for a pathogenic variant. This variant has not been reported in the literature in individuals affected with INTU-related conditions. ClinVar contains an entry for this variant (Variation ID: 2085548). Invitae Evidence Modeling of protein sequence and biophysical properties (such as structural, functional, and spatial information, amino acid conservation, physicochemical variation, residue mobility, and thermodynamic stability) indicates that this missense variant is not expected to disrupt INTU protein function with a negative predictive value of 80%. In summary, the available evidence is currently insufficient to determine the role of this variant in disease. Therefore, it has been classified as a Variant of Uncertain Significance.

NM_015693.4(INTU):c.2021C>T (p.Ser674Leu)

Gene: INTU (inturned planar cell polarity protein; plus strand). Cytogenetic location: 4q28.1.
Variant type: single nucleotide variant.
Coding change: c.2021C>T on transcript NM_015693.4 (MANE Select); coding-DNA position 2021, C replaced by T.
Protein change: p.Ser674Leu; replaces serine 674 with leucine.
Molecular consequence: missense variant.
Genome position (GRCh38, 1-based): chr4:127,706,719, C>T. VCF-style: chr4-127706719-C-T. GRCh37 (hg19) VCF-style: chr4-128627874-C-T.
Other names: short protein forms S674L.
Identifiers: ClinVar variation 2085548 (VCV002085548.4), dbSNP rs141570095, ClinGen allele CA3075236.
Genomic context (GRCh38, chr4:127,706,719, plus strand): 5'-TGTCTTGTGCTGACTGGTTCCTTACTGGATCACGTGAAAAAACAGATAGCTTGACCACTT[C>T]GCCTATTCTCAGTAGGCTACAAGGTACTTCCAAAGTAGCAACTTCTCCAACATGCAGAAG-3'
Protein context (NP_056508.2, residues 664-684): SREKTDSLTT[Ser674Leu]PILSRLQGTS